The following is an entry in ClinVar:

ClinVar aggregate classification (germline): Conflicting classifications of pathogenicity. Review status: criteria provided, conflicting classifications (1 of 4 stars). 2 submissions from 2 submitters: Likely pathogenic (1); Uncertain significance (1). Last evaluated 2025-12-11.

Conditions:
Polycystic kidney disease 4 (PKD4). Also called: POLYCYSTIC KIDNEY DISEASE 4 WITH OR WITHOUT POLYCYSTIC LIVER DISEASE; PKD3; POLYCYSTIC KIDNEY AND HEPATIC DISEASE 1; POLYCYSTIC KIDNEY DISEASE, INFANTILE, TYPE I; Autosomal Recessive Polycystic Kidney Disease – PKHD1. Identifiers: MedGen C4540575, MONDO:0033004, OMIM 263200.

Submissions (2):

Women's Health and Genetics/Laboratory Corporation of America, LabCorp
Classification: Uncertain significance. Last evaluated: 2025-12-11. Review status: criteria provided, single submitter. Criteria: LabCorp Variant Classification Summary - May 2015. Collection method: clinical testing. Allele origin: germline.
Comment: Variant summary: PKHD1 c.2057A>C (p.His686Pro) results in a non-conservative amino acid change in the encoded protein sequence. Algorithms developed to predict the effect of missense changes on protein structure and function are either unavailable or do not agree on the potential impact of this missense change. The variant was absent in 251240 control chromosomes (gnomAD). c.2057A>C has been observed in multiple compound heterozygous individuals affected with Polycystic Kidney And Hepatic Disease (Gunay-Aygun_2010, Krall_2013, Tong_2016), however one of these cases also carried two other (possibly) pathogenic variants. These data indicate that the variant may be associated with disease. To our knowledge, no experimental evidence demonstrating an impact on protein function has been reported. The following publications have been ascertained in the context of this evaluation (PMID: 19914852, 20413436, 24162162, 27752906). ClinVar contains an entry for this variant (Variation ID: 3240129). Based on the evidence outlined above, the variant was classified as VUS-possibly pathogenic.

Baylor Genetics
Classification: Likely pathogenic for Polycystic kidney disease 4. Last evaluated: 2024-03-08. Review status: criteria provided, single submitter. Criteria: ACMG Guidelines, 2015. Collection method: clinical testing. Allele origin: unknown.

Literature cited by the submitters: PubMed 20413436 (cited by Women's Health and Genetics/Laboratory Corporation of America, LabCorp); PubMed 24162162 (cited by Women's Health and Genetics/Laboratory Corporation of America, LabCorp); PubMed 27752906 (cited by Women's Health and Genetics/Laboratory Corporation of America, LabCorp); PubMed 19914852 (cited by Women's Health and Genetics/Laboratory Corporation of America, LabCorp).

NM_138694.4(PKHD1):c.2057A>C (p.His686Pro)

Gene: PKHD1 (PKHD1 ciliary IPT domain containing fibrocystin/polyductin; minus strand). Cytogenetic location: 6p12.2.
Variant type: single nucleotide variant.
Coding change: c.2057A>C on transcript NM_138694.4 (MANE Select); coding-DNA position 2057, A replaced by C.
Protein change: p.His686Pro; replaces histidine 686 with proline.
Molecular consequence: missense variant.
Genome position (GRCh38, 1-based): chr6:52,053,159, T>G on the plus strand (A>C on the coding strand, the complement: PKHD1 is on the minus strand). VCF-style: chr6-52053159-T-G. GRCh37 (hg19) VCF-style: chr6-51917957-T-G.
Other names: c.2057A>C, p.His686Pro (NM_170724.3); short protein forms H686P.
Identifiers: ClinVar variation 3240129 (VCV003240129.2), dbSNP rs2533266005.